The following is an entry in ClinVar:

NM_003742.4(ABCB11):c.3691C>T (p.Arg1231Trp)

Gene: ABCB11 (ATP binding cassette subfamily B member 11; minus strand). Cytogenetic location: 2q31.1.
Variant type: single nucleotide variant.
Coding change: c.3691C>T on transcript NM_003742.4 (MANE Select); coding-DNA position 3691, C replaced by T.
Protein change: p.Arg1231Trp; replaces arginine 1231 with tryptophan.
Molecular consequence: missense variant.
Genome position (GRCh38, 1-based): chr2:168,924,731, G>A on the plus strand (C>T on the coding strand, the complement: ABCB11 is on the minus strand). VCF-style: chr2-168924731-G-A. GRCh37 (hg19) VCF-style: chr2-169781241-G-A.
Other names: p.Arg1231Trp; short protein forms R1231W.
Identifiers: ClinVar variation 973516 (VCV000973516.20), dbSNP rs766285158, ClinGen allele CA1950958.
Genomic context (GRCh38, chr2:168,924,731, plus strand): 5'-TGTCTAAGGCAGAAGTGGCTTCATCTAGTAGCAAGATTTTAGGATCTCGTACAATGGCCC[G>A]AGCAATAGCAATGCGTTGTTTCTCCCCTCTAGAGAGTTGAGACCCCTGGGACCCAACGTT-3'
Protein context (NP_003733.2, residues 1221-1241): RGEKQRIAIA[Arg1231Trp]AIVRDPKILL

ClinVar aggregate classification (germline): Pathogenic/Likely pathogenic. Review status: criteria provided, multiple submitters, no conflicts (2 of 4 stars). 11 submissions from 11 submitters: Pathogenic (8); Likely pathogenic (3). Last evaluated 2026-04-14.

Conditions:
Progressive familial intrahepatic cholestasis type 2. Identifiers: Orphanet 79304, MedGen C3489789, MONDO:0011156, OMIM 601847.
Benign recurrent intrahepatic cholestasis type 2 (BRIC2). Also called: Recurrent familial intrahepatic cholestasis 2. Identifiers: Orphanet 65682, Orphanet 99961, MedGen C2608083, MONDO:0011559, OMIM 605479.
Familial intrahepatic cholestasis. Identifiers: Orphanet 284385, MedGen CN296401, MONDO:0017290.
Familial intrahepatic cholestasis type 2.

Allele frequency attached by ClinVar (database versions not stated): gnomAD exomes 0.00002.
gnomAD v4.1: 10 of 1,613,690 alleles (0.00062%); highest among the groups gnomAD compares: Admixed American, 0.0017%; no homozygotes.

Submissions (11):

Genomenon, Inc
Classification: Pathogenic for Familial intrahepatic cholestasis. Last evaluated: 2026-04-14. Review status: criteria provided, single submitter. Criteria: Genomenon Sequence Variant Interpretation Standards - Updated. Collection method: curation. Allele origin: germline. Affected: yes.
Comment: ABCB11 p.Arg1231Trp (c.3691C>T) is a missense variant that changes the amino acid at residue 1231 from Arginine to Tryptophan. This variant has been observed in at least one proband with an ABCB11-related disorder (PMID:39143102;37697751;35626323;32808743;28733223;28039895;25847299;20232290). It has been observed in trans with a pathogenic or likely pathogenic variant (PMID:20232290). At least one functional study has demonstrated a substantial alteration in protein function relative to the wild-type (PMID:40195555;19101985). Splicing studies have been reported (PMID:19101985). It is absent or not present at a significant frequency in gnomAD. In silico models predict that this variant is possibly or probably damaging. In conclusion, we classify ABCB11 p.Arg1231Trp (c.3691C>T) as a pathogenic variant.

Natera, Inc.
Classification: Pathogenic for Progressive familial intrahepatic cholestasis type 2. Last evaluated: 2025-07-07. Review status: criteria provided, single submitter. Criteria: Natera Variant Classification Schema (03/2026). Collection method: clinical testing. Allele origin: germline.
Comment: The c.3691C>T variant in ABCB11 is a missense variant predicted to cause substitution of arginine to tryptophan at amino acid 1231. This variant is rare in the general population with a frequency below the threshold expected for the associated phenotype(s). This variant has been observed in one or more individuals affected with the associated recessive disease, as either homozygous or compound heterozygous with a second variant (PMID: 28039895, 16871584, 20232290). Functional studies show that this variant may disrupt protein function (PMID: 19101985). A different variant at the same position has been determined to be Pathogenic or Likely Pathogenic. Computational prediction algorithms indicate this variant is likely to affect gene or protein function. Given the available evidence, this variant is classified as Pathogenic.

3billion
Classification: Pathogenic for Progressive familial intrahepatic cholestasis type 2. Last evaluated: 2024-09-13. Review status: criteria provided, single submitter. Criteria: ACMG Guidelines, 2015. Collection method: clinical testing. Allele origin: germline. Affected: yes.
Comment: The variant is observed at an extremely low frequency in the gnomAD v4.0.0 dataset (total allele frequency: <0.001%). Predicted Consequence/Location: Missense variant In silico tool predictions suggest damaging effect of the variant on gene or gene product [REVEL: 0.95 (>=0.6, sensitivity 0.68 and specificity 0.92); 3Cnet: 0.80 (>=0.6, sensitivity 0.72 and precision 0.9)]. The same nucleotide change resulting in the same amino acid change has been previously reported as pathogenic/likely pathogenic with strong evidence (ClinVar ID: VCV000973516 /PMID: 16871584). The variant has been reported to be in trans with a pathogenic variant as either compound heterozygous or homozygous in at least one similarly affected unrelated individual (PMID: 16871584). Different missense changes at the same codon (p.Arg1231Gln, p.Arg1231Gly) have been reported as pathogenic/likely pathogenic with strong evidence (ClinVar ID: VCV000287364, VCV002751382 /PMID: 15317749). Therefore, this variant is classified as Pathogenic according to the recommendation of ACMG/AMP guideline.

Baylor Genetics
Classification: Pathogenic for Benign recurrent intrahepatic cholestasis type 2. Last evaluated: 2024-03-27. Review status: criteria provided, single submitter. Criteria: ACMG Guidelines, 2015. Collection method: clinical testing. Allele origin: unknown.

Genomic Medicine Center of Excellence, King Faisal Specialist Hospital and Research Centre
Classification: Pathogenic for Progressive familial intrahepatic cholestasis type 2. Last evaluated: 2024-03-14. Review status: criteria provided, single submitter. Criteria: ACMG Guidelines, 2015. Collection method: research. Allele origin: germline.

Fulgent Genetics
Classification: Likely pathogenic for Progressive familial intrahepatic cholestasis type 2; Benign recurrent intrahepatic cholestasis type 2. Last evaluated: 2024-02-28. Review status: criteria provided, single submitter. Criteria: ACMG Guidelines, 2015. Collection method: clinical testing. Allele origin: germline.

Labcorp Genetics (formerly Invitae), Labcorp
Classification: Pathogenic. Last evaluated: 2023-06-06. Review status: criteria provided, single submitter. Criteria: Invitae Variant Classification Sherloc (09022015). Collection method: clinical testing. Allele origin: germline.
Comment: Advanced modeling of protein sequence and biophysical properties (such as structural, functional, and spatial information, amino acid conservation, physicochemical variation, residue mobility, and thermodynamic stability) performed at Invitae indicates that this missense variant is expected to disrupt ABCB11 protein function. For these reasons, this variant has been classified as Pathogenic. ClinVar contains an entry for this variant (Variation ID: 973516). This missense change has been observed in individuals with clinical features of ABCB11-related conditions (PMID: 16871584, 20232290, 25847299). This variant is present in population databases (rs766285158, gnomAD 0.003%). This sequence change replaces arginine, which is basic and polar, with tryptophan, which is neutral and slightly polar, at codon 1231 of the ABCB11 protein (p.Arg1231Trp).

Revvity Omics, Revvity
Classification: Likely pathogenic. Last evaluated: 2022-04-18. Review status: criteria provided, single submitter. Criteria: ACMG Guidelines, 2015. Collection method: clinical testing. Allele origin: germline.

Breakthrough Genomics
Classification: Pathogenic for Progressive familial intrahepatic cholestasis type 2. Last evaluated: 2020-07-17. Review status: criteria provided, single submitter. Criteria: ACMG Guidelines, 2015. Collection method: clinical testing. Allele origin: germline. Affected: yes.
Comment: This variant was previously reported in patients with progressive familial intrahepatic cholestasis in compound heterozygous state [PMID: 18395098, 20232290, 16871584]. The clinical significance of the variant has not been reported in the literature; however, another missense variant (p.Arg1231Gln) affecting the same codon as of the identified variant has been reported as pathogenic in the ClinVar database.

CENTOGENE GmbH and LLC - Guiding Precision Medicine
Classification: Pathogenic for Familial intrahepatic cholestasis type 2. Review status: criteria provided, single submitter. Criteria: ACMG Guidelines, 2015. Collection method: clinical testing. Allele origin: germline. Affected: yes.

Neuberg Centre For Genomic Medicine, NCGM
Classification: Likely pathogenic for Progressive familial intrahepatic cholestasis type 2. Review status: criteria provided, single submitter. Criteria: ACMG Guidelines, 2015. Collection method: clinical testing. Allele origin: germline. Inheritance: Autosomal recessive inheritance. Affected: yes.
Comment: The missense variant c.3691C>Tp.Arg1231Trp in ABCB11 gene has been reported previously in compound heterozygous state in individuals with progressive familial intrahepatic cholestasis Davit-Spraul A, et al., 2010, Wang NL, et al., 2016. The variant is reported with 0.002% allele frequency in gnomAD Exomes and novel not in any individuals in 1000 Genomes. This variant has been reported to the ClinVar database as Pathogenic/Likely Pathogenic. However, experimental studies on the pathogenicity of the variant are not available. The amino acid Arginine at position 1231 is changed to a Tryptophan changing protein sequence and it might alter its composition and physico-chemical properties. The variant is predicted to be damaging by SIFT.The amino acid change p.Arg1231Trp in ABCB11 is predicted as conserved by GERP++ and PhyloP across 100 vertebrates. For these reasons, this variant has been classified as Likely Pathogenic.

Literature cited by the submitters: PubMed 39143102 (cited by Genomenon, Inc); PubMed 37697751 (cited by Genomenon, Inc); PubMed 35626323 (cited by Genomenon, Inc); PubMed 32808743 (cited by Genomenon, Inc); PubMed 28733223 (cited by Genomenon, Inc); PubMed 28039895 (cited by Genomenon, Inc and Natera, Inc.); PubMed 25847299 (cited by Genomenon, Inc and Labcorp Genetics (formerly Invitae), Labcorp); PubMed 20232290 (cited by 3 submitters); PubMed 40195555 (cited by Genomenon, Inc); PubMed 19101985 (cited by Genomenon, Inc and Natera, Inc.); PubMed 16871584 (cited by 3 submitters); PubMed 15317749 (cited by 3billion).